The following is an entry in ClinVar:

NM_006767.4(LZTR1):c.22G>T (p.Gly8Trp)

Genes: LZTR1 (leucine zipper like post translational regulator 1; plus strand), LOC130067016 (ATAC-STARR-seq lymphoblastoid silent region 13504; plus strand). Cytogenetic location: 22q11.21.
Variant type: single nucleotide variant.
Coding change: c.22G>T on transcript NM_006767.4 (MANE Select); coding-DNA position 22, G replaced by T.
Protein change: p.Gly8Trp; replaces glycine 8 with tryptophan.
Molecular consequence: missense variant.
Genome position (GRCh38, 1-based): chr22:20,982,393, G>T. VCF-style: chr22-20982393-G-T. GRCh37 (hg19) VCF-style: chr22-21336682-G-T.
Other names: short protein forms G8W.
Identifiers: ClinVar variation 859758 (VCV000859758.14), dbSNP rs575193991, ClinGen allele CA10118266.

ClinVar aggregate classification (germline): Conflicting classifications of pathogenicity. Review status: criteria provided, conflicting classifications (1 of 4 stars). 4 submissions from 4 submitters: Uncertain significance (2); Likely benign (2). Last evaluated 2026-06-23.

Conditions:
LZTR1-related schwannomatosis. Also called: Schwannomatosis 2; Schwannomatosis-2, susceptibility to. Identifiers: Orphanet 93921, MedGen C3810283, MONDO:0014299, OMIM 615670.
Hereditary cancer-predisposing syndrome. Also called: Tumor predisposition; Neoplastic Syndromes, Hereditary; Hereditary neoplastic syndrome; Hereditary Cancer Syndrome. Identifiers: Orphanet 140162, MedGen C0027672, MeSH D009386, MONDO:0015356.
Cardiovascular phenotype. Identifiers: MedGen CN230736.

Allele frequency attached by ClinVar (database versions not stated): TOPMed 0.00001.
gnomAD v4.1: 110 of 1,559,652 alleles (0.0071%); highest among the groups gnomAD compares: South Asian, 0.1%; 1 homozygote.

Submissions (4):

Women's Health and Genetics/Laboratory Corporation of America, LabCorp
Classification: Uncertain significance. Last evaluated: 2026-06-23. Review status: criteria provided, single submitter. Criteria: LabCorp Variant Classification Summary - May 2015. Collection method: clinical testing. Allele origin: germline.
Comment: Variant summary: LZTR1 c.22G>T (p.Gly8Trp) results in a non-conservative amino acid change in the encoded protein sequence. Algorithms developed to predict the effect of missense changes on protein structure and function are either unavailable or do not agree on the potential impact of this missense change. The variant allele was found at a frequency of 0.00015 in 162086 control chromosomes. This frequency is not significantly higher than estimated for disease-causing variants in LZTR1, allowing no conclusion about variant significance. c.22G>T has been observed in one individual affected with congenital heart disease (Sierant_2025). The report does not provide unequivocal conclusions about association of the variant with disease. To our knowledge, no experimental evidence demonstrating an impact on protein function has been reported. The following publication have been ascertained in the context of this evaluation (PMID: 40127276). ClinVar contains an entry for this variant (Variation ID: 859758). Based on the evidence outlined above, the variant was classified as uncertain significance.

Labcorp Genetics (formerly Invitae), Labcorp
Classification: Likely benign. Last evaluated: 2026-01-30. Review status: criteria provided, single submitter. Criteria: Invitae Variant Classification Sherloc (09022015). Collection method: clinical testing. Allele origin: germline.

Baylor Genetics
Classification: Uncertain significance for LZTR1-related schwannomatosis. Last evaluated: 2023-10-15. Review status: criteria provided, single submitter. Criteria: ACMG Guidelines, 2015. Collection method: clinical testing. Allele origin: unknown.

Ambry Genetics
Classification: Likely benign for Cardiovascular phenotype; Hereditary cancer-predisposing syndrome. Last evaluated: 2021-12-01. Review status: criteria provided, single submitter. Criteria: Ambry Variant Classification Scheme 2023. Collection method: clinical testing. Allele origin: germline.

Literature cited by the submitters: PubMed 40127276 (cited by Women's Health and Genetics/Laboratory Corporation of America, LabCorp).